The following is an entry in ClinVar:

ClinVar aggregate classification (germline): Uncertain significance (1 of 4 stars; one submission).

Conditions:
Charcot-Marie-Tooth disease type 4. Also called: Charcot-Marie-Tooth disease, type IV; Charcot-Marie-Tooth, Type 4. Identifiers: Orphanet 64749, MedGen C4082197, MONDO:0018995.

Submission:

Labcorp Genetics (formerly Invitae), Labcorp
Classification: Uncertain significance for Charcot-Marie-Tooth disease type 4. Last evaluated: 2021-08-24. Review status: criteria provided, single submitter. Criteria: Invitae Variant Classification Sherloc (09022015). Collection method: clinical testing. Allele origin: germline.
Comment: This sequence change replaces alanine with proline at codon 191 of the SH3TC2 protein (p.Ala191Pro). The alanine residue is highly conserved and there is a small physicochemical difference between alanine and proline. This variant is not present in population databases (ExAC no frequency). This variant has not been reported in the literature in individuals affected with SH3TC2-related conditions. Advanced modeling of protein sequence and biophysical properties (such as structural, functional, and spatial information, amino acid conservation, physicochemical variation, residue mobility, and thermodynamic stability) performed at Invitae indicates that this missense variant is not expected to disrupt SH3TC2 protein function. In summary, the available evidence is currently insufficient to determine the role of this variant in disease. Therefore, it has been classified as a Variant of Uncertain Significance.

NM_024577.4(SH3TC2):c.571G>C (p.Ala191Pro)

Gene: SH3TC2 (SH3 domain and tetratricopeptide repeats 2; minus strand). Cytogenetic location: 5q32.
Variant type: single nucleotide variant.
Coding change: c.571G>C on transcript NM_024577.4 (MANE Select); coding-DNA position 571, G replaced by C.
Protein change: p.Ala191Pro; replaces alanine 191 with proline.
Molecular consequence: missense variant.
Genome position (GRCh38, 1-based): chr5:149,041,576, C>G on the plus strand (G>C on the coding strand, the complement: SH3TC2 is on the minus strand). VCF-style: chr5-149041576-C-G. GRCh37 (hg19) VCF-style: chr5-148421139-C-G.
Other names: short protein forms A191P.
Identifiers: ClinVar variation 1434045 (VCV001434045.6), dbSNP rs2127400685, ClinGen allele CA361674741.